The following is an entry in ClinVar:

ClinVar aggregate classification (germline): Uncertain significance. Review status: criteria provided, multiple submitters, no conflicts (2 of 4 stars). 2 submissions from 2 submitters: Uncertain significance (2). Last evaluated 2026-03-12.

Conditions:
Thrombocytopenia 2 (THC2). Also called: ANKRD26-Related Thrombocytopenia. Identifiers: Orphanet 268322, MedGen C1861185, MONDO:0008555, OMIM 188000.
Inborn genetic diseases. Identifiers: MedGen C0950123, MeSH D030342.

Submissions (2):

Ambry Genetics
Classification: Uncertain significance for Inborn genetic diseases. Last evaluated: 2026-03-12. Review status: criteria provided, single submitter. Criteria: Ambry Variant Classification Scheme 2023. Collection method: clinical testing. Allele origin: germline.
Comment: The p.V1281I variant (also known as c.3841G>A), located in coding exon 26 of the ANKRD26 gene, results from a G to A substitution at nucleotide position 3841. The valine at codon 1281 is replaced by isoleucine, an amino acid with highly similar properties. This amino acid position is conserved. In addition, this alteration is predicted to be tolerated by in silico analysis. Based on the available evidence, the clinical significance of this variant remains unclear.

St. Jude Molecular Pathology, St. Jude Children's Research Hospital
Classification: Uncertain significance for Thrombocytopenia 2. Last evaluated: 2023-05-10. Review status: criteria provided, single submitter. Criteria: St. Jude Assertion Criteria 2020. Collection method: clinical testing. Allele origin: germline.
Comment: The ANKRD26 c.3841G>A (p.Val1281Ile) missense change is absent in gnomAD v2.1.1. This variant is not located in the 5' UTR. The in silico tool REVEL predicts a benign effect on protein function, but to our knowledge this prediction has not been confirmed by functional studies. To our knowledge, this variant has not been reported in individuals with ANKRD26-associated thrombocytopenia. In summary, the evidence currently available is insufficient to determine the clinical significance of this variant. It has therefore been classified as of uncertain significance.

NM_014915.3(ANKRD26):c.3841G>A (p.Val1281Ile)

Gene: ANKRD26 (ankyrin repeat domain 26; minus strand). Cytogenetic location: 10p12.1.
Variant type: single nucleotide variant.
Coding change: c.3841G>A on transcript NM_014915.3 (MANE Select); coding-DNA position 3841, G replaced by A.
Protein change: p.Val1281Ile; replaces valine 1281 with isoleucine.
Molecular consequence: missense variant.
Genome position (GRCh38, 1-based): chr10:27,029,323, C>T on the plus strand (G>A on the coding strand, the complement: ANKRD26 is on the minus strand). VCF-style: chr10-27029323-C-T. GRCh37 (hg19) VCF-style: chr10-27318252-C-T.
Other names: c.3838G>A, p.Val1280Ile (NM_001256053.2); short protein forms V1280I, V1281I.
Identifiers: ClinVar variation 2503505 (VCV002503505.2), dbSNP rs2538699975, ClinGen allele CA376360577.